The following is an entry in ClinVar:

NM_001261826.3(AP3D1):c.2199C>T (p.His733=)

Gene: AP3D1 (adaptor related protein complex 3 subunit delta 1; minus strand). Cytogenetic location: 19p13.3.
Variant type: single nucleotide variant.
Coding change: c.2199C>T on transcript NM_001261826.3 (MANE Select); coding-DNA position 2199, C replaced by T.
Protein change: p.His733=; no amino-acid change (histidine 733 retained).
Molecular consequence: synonymous variant.
Genome position (GRCh38, 1-based): chr19:2,115,369, G>A on the plus strand (C>T on the coding strand, the complement: AP3D1 is on the minus strand). VCF-style: chr19-2115369-G-A. GRCh37 (hg19) VCF-style: chr19-2115368-G-A.
Other names: c.2199C>T, p.His733= (NM_001374799.1, NM_003938.8); c.2199C>T (NM_001261826.1).
Identifiers: ClinVar variation 1610859 (VCV001610859.10), dbSNP rs372714138, ClinGen allele CA9058961.

ClinVar aggregate classification (germline): Likely benign. Review status: criteria provided, multiple submitters, no conflicts (2 of 4 stars). 3 submissions from 3 submitters: Likely benign (3). Last evaluated 2026-01-02.

Conditions:
AP3D1-related disorder. Also called: AP3D1-related condition.

Allele frequency attached by ClinVar (database versions not stated): gnomAD exomes 0.00001; ExAC 0.00002; gnomAD 0.00006; TOPMed 0.00006; ESP Exome Variant Server 0.00016.
gnomAD v4.1: 13 of 1,606,740 alleles (0.00081%); highest among the groups gnomAD compares: African/African-American, 0.017%; no homozygotes.

Submissions (3):

PreventionGenetics, part of Exact Sciences
Classification: Likely benign for AP3D1-related condition. Last evaluated: 2026-01-02. Review status: criteria provided, single submitter. Criteria: ACMG Guidelines, 2015. Collection method: clinical testing. Allele origin: germline.
Comment: This variant is classified as likely benign based on ACMG/AMP sequence variant interpretation guidelines (Richards et al. 2015 PMID: 25741868, with internal and published modifications).

Labcorp Genetics (formerly Invitae), Labcorp
Classification: Likely benign. Last evaluated: 2025-07-01. Review status: criteria provided, single submitter. Criteria: Invitae Variant Classification Sherloc (09022015). Collection method: clinical testing. Allele origin: germline.

Blueprint Genetics
Classification: Likely benign. Last evaluated: 2021-03-24. Review status: criteria provided, single submitter. Criteria: ACMG Guidelines, 2015. Collection method: clinical testing. Allele origin: germline.